The following is an entry in ClinVar:

ClinVar aggregate classification (germline): Benign (1 of 4 stars; one submission).

Conditions:
Neuronal ceroid lipofuscinosis 7 (CLN7). Also called: MFSD8-Related Neuronal Ceroid-Lipofuscinosis. Identifiers: Orphanet 168491, Orphanet 228366, MedGen C1838571, MONDO:0012588, OMIM 610951.

Allele frequency attached by ClinVar (database versions not stated): gnomAD 0.00075 and 0.00124; TOPMed 0.00186; 1000 Genomes Project 30x 0.00734; 1000 Genomes Project 0.00739.

Submission:

Illumina Laboratory Services, Illumina
Classification: Benign for Neuronal ceroid lipofuscinosis 7. Last evaluated: 2018-01-13. Review status: criteria provided, single submitter. Criteria: ICSL Variant Classification Criteria 13 December 2019. Collection method: clinical testing. Allele origin: germline.
Comment: This variant was observed in the ICSL laboratory as part of a predisposition screen in an ostensibly healthy population. It had not been previously curated by ICSL or reported in the Human Gene Mutation Database (HGMD: prior to June 1st, 2018), and was therefore a candidate for classification through an automated scoring system. Utilizing variant allele frequency, disease prevalence and penetrance estimates, and inheritance mode, an automated score was calculated to assess if this variant is too frequent to cause the disease. Based on the score and internal cut-off values, a variant classified as benign is not then subjected to further curation. The score for this variant resulted in a classification of benign for this disease.

NM_001371596.2(MFSD8):c.*1515T>A

Gene: MFSD8 (major facilitator superfamily domain containing 8; minus strand). Cytogenetic location: 4q28.2.
Variant type: single nucleotide variant.
Coding change: c.*1515T>A on transcript NM_001371596.2 (MANE Select); 1515 bases downstream of the stop codon, T replaced by A.
Molecular consequence: 3 prime UTR variant.
Genome position (GRCh38, 1-based): chr4:127,919,115, A>T on the plus strand (T>A on the coding strand, the complement: MFSD8 is on the minus strand). VCF-style: chr4-127919115-A-T. GRCh37 (hg19) VCF-style: chr4-128840270-A-T.
Other names: c.*1515T>A (NM_001363520.3, NM_001363521.3, NM_001371590.2 and 7 more transcripts); c.*2644T>A (NM_001410766.1).
Identifiers: ClinVar variation 347527 (VCV000347527.7), dbSNP rs74590222, ClinGen allele CA10617046.
Genomic context (GRCh38, chr4:127,919,115, plus strand): 5'-TGCTATGGGCGGCAGAGGAGAGTGAAAACAGTCTTCAAAATTTAATCGTAGAATAATTCT[A>T]TCAAATTAAGCCCTTTATTAGAGCTGAAAAAATTGAGTTTAAGAGCACAGCTAGTTTAGC-3'